The following is an entry in ClinVar:

NM_176822.4(NLRP14):c.36T>C (p.Asp12=)

Gene: NLRP14 (NLR family pyrin domain containing 14; plus strand). Cytogenetic location: 11p15.4.
Variant type: single nucleotide variant.
Coding change: c.36T>C on transcript NM_176822.4 (MANE Select); coding-DNA position 36, T replaced by C.
Protein change: p.Asp12=; no amino-acid change (aspartic acid 12 retained).
Molecular consequence: synonymous variant.
Genome position (GRCh38, 1-based): chr11:7,038,622, T>C. VCF-style: chr11-7038622-T-C. GRCh37 (hg19) VCF-style: chr11-7059853-T-C.
Identifiers: ClinVar variation 3038082 (VCV003038082.2), dbSNP rs115887838, ClinGen allele CA5864466.

ClinVar aggregate classification (germline): Likely benign (0 of 4 stars; one submission).

Conditions:
NLRP14-related disorder. Also called: NLRP14-related condition.

Allele frequency attached by ClinVar (database versions not stated): gnomAD exomes 0.00048; ExAC 0.00134; gnomAD 0.00466; 1000 Genomes Project 30x 0.00515; 1000 Genomes Project 0.00519; ESP Exome Variant Server 0.00554; TOPMed 0.00557.
gnomAD v4.1: 1,439 of 1,614,088 alleles (0.089%); highest among the groups gnomAD compares: African/African-American, 1.7%; 11 homozygotes.

Submission:

PreventionGenetics, part of Exact Sciences
Classification: Likely benign for NLRP14-related condition. Last evaluated: 2019-03-25. Review status: no assertion criteria provided. Collection method: clinical testing. Allele origin: germline.
Comment: This variant is classified as likely benign based on ACMG/AMP sequence variant interpretation guidelines (Richards et al. 2015 PMID: 25741868, with internal and published modifications).